The following is an entry in ClinVar:

ClinVar aggregate classification (germline): Benign/Likely benign. Review status: criteria provided, multiple submitters, no conflicts (2 of 4 stars). 4 submissions from 4 submitters: Benign (1); Likely benign (3). Last evaluated 2025-10-23.

Allele frequency attached by ClinVar (database versions not stated): gnomAD 0.00041 and 0.00043; ExAC 0.00047; ESP Exome Variant Server 0.00049; TOPMed 0.00051.
gnomAD v4.1: 1,097 of 1,613,806 alleles (0.068%); highest among the groups gnomAD compares: Non-Finnish European, 0.07%; 1 homozygote.

Submissions (4):

Labcorp Genetics (formerly Invitae), Labcorp
Classification: Likely benign. Last evaluated: 2025-10-23. Review status: criteria provided, single submitter. Criteria: Invitae Variant Classification Sherloc (09022015). Collection method: clinical testing. Allele origin: germline.

CeGaT Center for Human Genetics Tuebingen
Classification: Likely benign. Last evaluated: 2024-12-01. Review status: criteria provided, single submitter. Criteria: CeGaT Center For Human Genetics Tuebingen Variant Classification Criteria Version 2. Collection method: clinical testing. Allele origin: germline. Affected: yes. Observed: 5 variant alleles.
Comment: GFAP: BP4, BP7

Blueprint Genetics
Classification: Likely benign. Last evaluated: 2024-11-26. Review status: criteria provided, single submitter. Criteria: ACMG Guidelines, 2015. Collection method: clinical testing. Allele origin: germline.

Mayo Clinic Laboratories, Mayo Clinic
Classification: Benign. Last evaluated: 2024-03-19. Review status: criteria provided, single submitter. Criteria: ACMG Guidelines, 2015. Collection method: clinical testing. Allele origin: germline. Observed: 2 variant alleles.
Comment: BS1, BS2, BP4, BP7

NM_002055.5(GFAP):c.1171+467G>A

Gene: GFAP (glial fibrillary acidic protein; minus strand). Cytogenetic location: 17q21.31.
Variant type: single nucleotide variant.
Coding change: c.1171+467G>A on transcript NM_002055.5 (MANE Select); 467 bases into the intron after coding-DNA position 1171, G replaced by A.
Molecular consequence: intron variant. On other transcripts: synonymous variant (2), 3 prime UTR variant (1).
Genome position (GRCh38, 1-based): chr17:44,910,148, C>T on the plus strand (G>A on the coding strand, the complement: GFAP is on the minus strand). VCF-style: chr17-44910148-C-T. GRCh37 (hg19) VCF-style: chr17-42987516-C-T.
Other names: p.?; c.1284G>A, p.Pro428= (NM_001131019.3, NM_001363846.2); c.*321G>A (NM_001242376.3).
Identifiers: ClinVar variation 493215 (VCV000493215.53), dbSNP rs200468026, ClinGen allele CA8608683.